The following is an entry in ClinVar:

ClinVar aggregate classification (germline): Likely benign (1 of 4 stars; one submission).

Allele frequency attached by ClinVar (database versions not stated): TOPMed 0.00007; ESP Exome Variant Server 0.00008; gnomAD 0.00011; gnomAD exomes 0.00012; ExAC 0.00017; 1000 Genomes Project 30x 0.00031; 1000 Genomes Project 0.00040.
gnomAD v4.1: 196 of 1,613,856 alleles (0.012%); highest among the groups gnomAD compares: South Asian, 0.048%; no homozygotes.

Submission:

CeGaT Center for Human Genetics Tuebingen
Classification: Likely benign. Last evaluated: 2023-03-01. Review status: criteria provided, single submitter. Criteria: CeGaT Center For Human Genetics Tuebingen Variant Classification Criteria Version 2. Collection method: clinical testing. Allele origin: germline. Affected: yes. Observed: 1 variant allele.
Comment: PER2: BP4

NM_022817.3(PER2):c.23C>T (p.Pro8Leu)

Gene: PER2 (period circadian regulator 2; minus strand). Cytogenetic location: 2q37.3.
Variant type: single nucleotide variant.
Coding change: c.23C>T on transcript NM_022817.3 (MANE Select); coding-DNA position 23, C replaced by T.
Protein change: p.Pro8Leu; replaces proline 8 with leucine.
Molecular consequence: missense variant.
Genome position (GRCh38, 1-based): chr2:238,277,914, G>A on the plus strand (C>T on the coding strand, the complement: PER2 is on the minus strand). VCF-style: chr2-238277914-G-A. GRCh37 (hg19) VCF-style: chr2-239186555-G-A.
Other names: short protein forms P8L.
Identifiers: ClinVar variation 2652064 (VCV002652064.24), dbSNP rs151226622, ClinGen allele CA2197911.